The following is an entry in ClinVar:

NM_024757.5(EHMT1):c.1360G>A (p.Gly454Ser)

Gene: EHMT1 (euchromatic histone lysine methyltransferase 1; plus strand). Cytogenetic location: 9q34.3.
Variant type: single nucleotide variant.
Coding change: c.1360G>A on transcript NM_024757.5 (MANE Select); coding-DNA position 1360, G replaced by A.
Protein change: p.Gly454Ser; replaces glycine 454 with serine.
Molecular consequence: missense variant.
Genome position (GRCh38, 1-based): chr9:137,754,282, G>A. VCF-style: chr9-137754282-G-A. GRCh37 (hg19) VCF-style: chr9-140648734-G-A.
Other names: c.1360G>A, p.Gly454Ser (NM_001145527.2, NM_001354611.2); c.1267G>A, p.Gly423Ser (NM_001354259.2, NM_001354612.2); c.1339G>A, p.Gly447Ser (NM_001354263.2); short protein forms G454S, G447S, G423S.
Identifiers: ClinVar variation 366008 (VCV000366008.15), dbSNP rs774046148, ClinGen allele CA5374581.

ClinVar aggregate classification (germline): Benign/Likely benign. Review status: criteria provided, multiple submitters, no conflicts (2 of 4 stars). 3 submissions from 3 submitters: Benign (1); Likely benign (1). 1 of the submissions does not count toward it. Last evaluated 2025-09-22.

Conditions:
EHMT1-related disorder. Also called: EHMT1-related condition.
Inborn genetic diseases. Identifiers: MedGen C0950123, MeSH D030342.
Kleefstra syndrome 1 (KLEFS1). Identifiers: Orphanet 261494, MedGen C0795833, MONDO:0027407, OMIM 610253.

Allele frequency attached by ClinVar (database versions not stated): ExAC 0.00001; gnomAD 0.00003 and 0.00004; TOPMed 0.00004; gnomAD exomes 0.00001.
gnomAD v4.1: 26 of 1,613,904 alleles (0.0016%); highest among the groups gnomAD compares: African/African-American, 0.004%; no homozygotes.

Submissions (3):

Ambry Genetics
Classification: Likely benign for Inborn genetic diseases. Last evaluated: 2025-09-22. Review status: criteria provided, single submitter. Criteria: Ambry Variant Classification Scheme 2023. Collection method: clinical testing. Allele origin: germline.

Labcorp Genetics (formerly Invitae), Labcorp
Classification: Benign for Kleefstra syndrome 1. Last evaluated: 2024-07-01. Review status: criteria provided, single submitter. Criteria: Invitae Variant Classification Sherloc (09022015). Collection method: clinical testing. Allele origin: germline.

PreventionGenetics, part of Exact Sciences
Classification: Likely benign for EHMT1-related condition. Last evaluated: 2023-12-05. Review status: no assertion criteria provided. Collection method: clinical testing. Allele origin: germline. Not counted in ClinVar's aggregate classification.
Comment: This variant is classified as likely benign based on ACMG/AMP sequence variant interpretation guidelines (Richards et al. 2015 PMID: 25741868, with internal and published modifications).